The following is an entry in ClinVar:

ClinVar aggregate classification (germline): Likely benign. Review status: criteria provided, multiple submitters, no conflicts (2 of 4 stars). 4 submissions from 4 submitters: Likely benign (4). Last evaluated 2025-12-08.

Conditions:
Charcot-Marie-Tooth disease type 2. Also called: Charcot-Marie-Tooth type 2. Identifiers: Orphanet 64746, MedGen C0270914, MONDO:0018993.
KIF1B-related disorder. Also called: KIF1B-related condition.

Allele frequency attached by ClinVar (database versions not stated): gnomAD exomes 0.00001 and 0.00006; ExAC 0.00002; gnomAD 0.00002; TOPMed 0.00004; ESP Exome Variant Server 0.00008.
gnomAD v4.1: 92 of 1,614,044 alleles (0.0057%); highest among the groups gnomAD compares: Non-Finnish European, 0.0075%; no homozygotes.

Submissions (4):

Labcorp Genetics (formerly Invitae), Labcorp
Classification: Likely benign for Charcot-Marie-Tooth disease type 2. Last evaluated: 2025-12-08. Review status: criteria provided, single submitter. Criteria: Invitae Variant Classification Sherloc (09022015). Collection method: clinical testing. Allele origin: germline.

Women's Health and Genetics/Laboratory Corporation of America, LabCorp
Classification: Likely benign. Last evaluated: 2025-05-27. Review status: criteria provided, single submitter. Criteria: LabCorp Variant Classification Summary - May 2015. Collection method: clinical testing. Allele origin: germline.

PreventionGenetics, part of Exact Sciences
Classification: Likely benign for KIF1B-related condition. Last evaluated: 2024-11-29. Review status: criteria provided, single submitter. Criteria: ACMG Guidelines, 2015. Collection method: clinical testing. Allele origin: germline.
Comment: This variant is classified as likely benign based on ACMG/AMP sequence variant interpretation guidelines (Richards et al. 2015 PMID: 25741868, with internal and published modifications).

Ambry Genetics
Classification: Likely benign. Last evaluated: 2020-09-28. Review status: criteria provided, single submitter. Criteria: Ambry Variant Classification Scheme 2023. Collection method: clinical testing. Allele origin: germline.

NM_001365951.3(KIF1B):c.1359C>T (p.Gly453=)

Gene: KIF1B (kinesin family member 1B; plus strand). Cytogenetic location: 1p36.22.
Variant type: single nucleotide variant.
Coding change: c.1359C>T on transcript NM_001365951.3 (MANE Select); coding-DNA position 1359, C replaced by T.
Protein change: p.Gly453=; no amino-acid change (glycine 453 retained).
Molecular consequence: synonymous variant.
Genome position (GRCh38, 1-based): chr1:10,282,458, C>T. VCF-style: chr1-10282458-C-T. GRCh37 (hg19) VCF-style: chr1-10342516-C-T.
Other names: c.1359C>T, p.Gly453= (NM_001365952.1); c.1221C>T, p.Gly407= (NM_001365953.1, NM_015074.3, NM_183416.4).
Identifiers: ClinVar variation 701286 (VCV000701286.15), dbSNP rs375200009, ClinGen allele CA580945.